The following is an entry in ClinVar:

ClinVar aggregate classification (germline): Uncertain significance (1 of 4 stars; one submission).

Conditions:
Welander distal myopathy (WDM). Also called: Gower's muscular dystrophy; MUSCULAR DYSTROPHY, DISTAL, LATE-ONSET, AUTOSOMAL DOMINANT; Welander distal myopathy, Swedish type; Distal myopathy, Swedish type. Identifiers: Orphanet 603, MedGen C0221054, MONDO:0011466, OMIM 604454.

Allele frequency attached by ClinVar (database versions not stated): gnomAD exomes below 0.00001.

Submission:

Labcorp Genetics (formerly Invitae), Labcorp
Classification: Uncertain significance for Welander distal myopathy. Last evaluated: 2022-07-26. Review status: criteria provided, single submitter. Criteria: Invitae Variant Classification Sherloc (09022015). Collection method: clinical testing. Allele origin: germline.
Comment: This variant is not present in population databases (gnomAD no frequency). This sequence change replaces methionine, which is neutral and non-polar, with threonine, which is neutral and polar, at codon 141 of the TIA1 protein (p.Met141Thr). This variant has not been reported in the literature in individuals affected with TIA1-related conditions. ClinVar contains an entry for this variant (Variation ID: 571692). Algorithms developed to predict the effect of missense changes on protein structure and function (SIFT, PolyPhen-2, Align-GVGD) all suggest that this variant is likely to be tolerated. In summary, the available evidence is currently insufficient to determine the role of this variant in disease. Therefore, it has been classified as a Variant of Uncertain Significance.

NM_022173.4(TIA1):c.422T>C (p.Met141Thr)

Gene: TIA1 (TIA1 cytotoxic granule associated RNA binding protein; minus strand). Cytogenetic location: 2p13.3.
Variant type: single nucleotide variant.
Coding change: c.422T>C on transcript NM_022173.4 (MANE Select); coding-DNA position 422, T replaced by C.
Protein change: p.Met141Thr; replaces methionine 141 with threonine.
Molecular consequence: missense variant. On other transcripts: initiator codon variant (3), 3 prime UTR variant (2), non-coding transcript variant (17).
Genome position (GRCh38, 1-based): chr2:70,224,606, A>G on the plus strand (T>C on the coding strand, the complement: TIA1 is on the minus strand). VCF-style: chr2-70224606-A-G. GRCh37 (hg19) VCF-style: chr2-70451738-A-G.
Other names: c.422T>C, p.Met141Thr (NM_001351508.2, NM_001351516.2, NM_001351518.2 and 1 more transcripts); c.395T>C, p.Met132Thr (NM_001351509.2); c.389T>C, p.Met130Thr (NM_001351510.2, NM_001351521.2, NM_022037.4); c.311T>C, p.Met104Thr (NM_001351511.1); c.284T>C, p.Met95Thr (NM_001351512.1); c.278T>C, p.Met93Thr (NM_001351513.1); c.194T>C, p.Met65Thr (NM_001351514.2, NM_001351523.2); c.119T>C, p.Met40Thr (NM_001351515.2); and 3 more; short protein forms M141T, M132T, M93T, M104T, M130T, M1T, M40T, M95T.
Identifiers: ClinVar variation 571692 (VCV000571692.9), dbSNP rs1558817897, ClinGen allele CA347155710.
Genomic context (GRCh38, chr2:70,224,606, plus strand): 5'-GAGCTCACCCATTTGTTGAAAAAGGAGACAAAGCCATATCCCTTAGACTTTCCTGTTGCC[A>G]TGTCTTTTACCACTCGGGCATCTCTGAAATCAGAAACAATCAGAAGTTTAGGTTTGCAAA-3'
Protein context (NP_071505.2, residues 131-151): RISDARVVKD[Met141Thr]ATGKSKGYGF